The following is an entry in ClinVar:

NM_000444.6(PHEX):c.565C>T (p.Gln189Ter)

Gene: PHEX (phosphate regulating endopeptidase X-linked; plus strand). Cytogenetic location: Xp22.11.
Variant type: single nucleotide variant.
Coding change: c.565C>T on transcript NM_000444.6 (MANE Select); coding-DNA position 565, C replaced by T.
Protein change: p.Gln189Ter; replaces glutamine 189 with a stop codon.
Molecular consequence: nonsense.
Genome position (GRCh38, 1-based): chrX:22,077,604, C>T. VCF-style: chrX-22077604-C-T. GRCh37 (hg19) VCF-style: chrX-22095722-C-T.
Other names: c.565C>T, p.Gln189Ter (NM_001282754.2); short protein forms Q189*.
Identifiers: ClinVar variation 381680 (VCV000381680.3), dbSNP rs1057521143, ClinGen allele CA16608814.

ClinVar aggregate classification (germline): Pathogenic. Review status: criteria provided, multiple submitters, no conflicts (2 of 4 stars). 2 submissions from 2 submitters: Pathogenic (2). Last evaluated 2021-05-10.

Conditions:
PHEX-related disorder. Also called: PHEX-related condition.

Submissions (2):

Blueprint Genetics
Classification: Pathogenic for PHEX-related disorders. Last evaluated: 2021-05-10. Review status: criteria provided, single submitter. Criteria: ACMG Guidelines, 2015. Collection method: clinical testing. Allele origin: germline. Affected: yes. Observed: 2 variant alleles.

GeneDx
Classification: Pathogenic. Last evaluated: 2017-01-09. Review status: criteria provided, single submitter. Criteria: GeneDx Variant Classification (06012015). Collection method: clinical testing. Allele origin: germline. Affected: yes.
Comment: The Q189X nonsense variant in the PHEX gene has been reported previously in association with X-linked hypophosphatemic rickets (Yamazaki et al., 2002; Morey et al., 2011). This pathogenic variant is predicted to cause loss of normal protein function either through protein truncation or nonsense-mediated mRNA decay. Additionally, the variant was not observed in approximately 6,500 individuals of European and African American ancestry in the NHLBI Exome Sequencing Project, indicating it is not a common benign variant in these populations. Therefore, we consider this variant to be pathogenic.